The following is an entry in ClinVar:

NM_000465.4(BARD1):c.1942G>A (p.Glu648Lys)

Gene: BARD1 (BRCA1 associated RING domain 1; minus strand). Cytogenetic location: 2q35.
Variant type: single nucleotide variant.
Coding change: c.1942G>A on transcript NM_000465.4 (MANE Select); coding-DNA position 1942, G replaced by A.
Protein change: p.Glu648Lys; replaces glutamic acid 648 with lysine.
Molecular consequence: missense variant. On other transcripts: non-coding transcript variant (3).
Genome position (GRCh38, 1-based): chr2:214,730,470, C>T on the plus strand (G>A on the coding strand, the complement: BARD1 is on the minus strand). VCF-style: chr2-214730470-C-T. GRCh37 (hg19) VCF-style: chr2-215595194-C-T.
Other names: c.1885G>A, p.Glu629Lys (NM_001282543.2); c.589G>A, p.Glu197Lys (NM_001282545.2); c.532G>A, p.Glu178Lys (NM_001282548.2); c.403G>A, p.Glu135Lys (NM_001282549.2); short protein forms E135K, E178K, E197K, E629K, E648K.
Identifiers: ClinVar variation 3231783 (VCV003231783.1), dbSNP rs2469277369, ClinGen allele CA350451199.

ClinVar aggregate classification (germline): Uncertain significance (1 of 4 stars; one submission).

Conditions:
Hereditary cancer-predisposing syndrome. Also called: Neoplastic Syndromes, Hereditary; Tumor predisposition; Hereditary neoplastic syndrome; Hereditary Cancer Syndrome. Identifiers: Orphanet 140162, MedGen C0027672, MeSH D009386, MONDO:0015356.

Submission:

Ambry Genetics
Classification: Uncertain significance for Hereditary cancer-predisposing syndrome. Last evaluated: 2023-12-14. Review status: criteria provided, single submitter. Criteria: Ambry Variant Classification Scheme 2023. Collection method: clinical testing. Allele origin: germline.
Comment: The p.E648K variant (also known as c.1942G>A), located in coding exon 10 of the BARD1 gene, results from a G to A substitution at nucleotide position 1942. The glutamic acid at codon 648 is replaced by lysine, an amino acid with similar properties. This amino acid position is conserved. In addition, the in silico prediction for this alteration is inconclusive. Since supporting evidence is limited at this time, the clinical significance of this alteration remains unclear.